The following is an entry in ClinVar:

ClinVar aggregate classification (germline): Likely benign. Review status: criteria provided, multiple submitters, no conflicts (2 of 4 stars). 2 submissions from 2 submitters: Likely benign (2). Last evaluated 2026-05-15.

Conditions:
Long chain 3-hydroxyacyl-CoA dehydrogenase deficiency. Also called: Deficiency of long-chain 3-hydroxyacyl-coenzyme A dehydrogenase; LCHAD Deficiency. Identifiers: Orphanet 5, MedGen C3711645, MONDO:0012173, OMIM 609016.
Mitochondrial trifunctional protein deficiency. Identifiers: Orphanet 746, MedGen C1969443, MONDO:0012172.
HADHA-related disorder. Also called: HADHA-related condition; HADHA-related disorders.

Allele frequency attached by ClinVar (database versions not stated): gnomAD exomes below 0.00001; gnomAD 0.00001; TOPMed 0.00001.
gnomAD v4.1: 5 of 1,585,064 alleles (0.00032%); highest among the groups gnomAD compares: Admixed American, 0.005%; no homozygotes.

Submissions (2):

PreventionGenetics, part of Exact Sciences
Classification: Likely benign for HADHA-related condition. Last evaluated: 2026-05-15. Review status: criteria provided, single submitter. Criteria: ACMG Guidelines, 2015. Collection method: clinical testing. Allele origin: germline.
Comment: This variant is classified as likely benign based on ACMG/AMP sequence variant interpretation guidelines (Richards et al. 2015 PMID: 25741868, with internal and published modifications).

Labcorp Genetics (formerly Invitae), Labcorp
Classification: Likely benign for Mitochondrial trifunctional protein deficiency; Long chain 3-hydroxyacyl-CoA dehydrogenase deficiency. Last evaluated: 2025-12-15. Review status: criteria provided, single submitter. Criteria: Invitae Variant Classification Sherloc (09022015). Collection method: clinical testing. Allele origin: germline.

NM_000182.5(HADHA):c.574-4T>G

Gene: HADHA (hydroxyacyl-CoA dehydrogenase trifunctional multienzyme complex subunit alpha; minus strand). Cytogenetic location: 2p23.3.
Variant type: single nucleotide variant.
Coding change: c.574-4T>G on transcript NM_000182.5 (MANE Select); 4 bases into the intron before coding-DNA position 574, T replaced by G.
Molecular consequence: intron variant.
Genome position (GRCh38, 1-based): chr2:26,230,298, A>C on the plus strand (T>G on the coding strand, the complement: HADHA is on the minus strand). VCF-style: chr2-26230298-A-C. GRCh37 (hg19) VCF-style: chr2-26453166-A-C.
Other names: c.574-4T>G (NM_000182.4).
Identifiers: ClinVar variation 2931708 (VCV002931708.4), dbSNP rs1670591123, ClinGen allele CA1028596787.